The following is an entry in ClinVar:

NM_203446.3(SYNJ1):c.*690G>A

Gene: SYNJ1 (synaptojanin 1; minus strand). Cytogenetic location: 21q22.11.
Variant type: single nucleotide variant.
Coding change: c.*690G>A on transcript NM_203446.3 (MANE Select); 690 bases downstream of the stop codon, G replaced by A.
Molecular consequence: 3 prime UTR variant. On other transcripts: synonymous variant (2).
Genome position (GRCh38, 1-based): chr21:32,631,115, C>T on the plus strand (G>A on the coding strand, the complement: SYNJ1 is on the minus strand). VCF-style: chr21-32631115-C-T. GRCh37 (hg19) VCF-style: chr21-34003425-C-T.
Other names: p.Pro1573=; c.*690G>A (NM_001160302.2); c.4461G>A, p.Pro1487= (NM_001160306.2); c.4719G>A, p.Pro1573= (NM_003895.4); c.4719G>A (NM_003895.3).
Identifiers: ClinVar variation 1169968 (VCV001169968.41), dbSNP rs559102258, ClinGen allele CA10003063.
Genomic context (GRCh38, chr21:32,631,115, plus strand): 5'-TACTGGAGGGCTGGTGCCGGGCGGGAGCAGAGGGACAGGAGGTGGAGGAGGTCTTCTTGA[C>T]GGCAACACACAGAAGGAGACATTTGTACCTTTATTCCAGTCATCATTCAATGTCAGGTTG-3'

ClinVar aggregate classification (germline): Benign/Likely benign. Review status: criteria provided, multiple submitters, no conflicts (2 of 4 stars). 3 submissions from 3 submitters: Benign (1); Likely benign (2). Last evaluated 2026-03-01.

Conditions:
Developmental and epileptic encephalopathy, 53. Also called: Epileptic encephalopathy, early infantile, 53. Identifiers: MedGen C4479313, MONDO:0033362, OMIM 617389.
Early-onset Parkinson disease 20. Also called: PARKINSON DISEASE 20, AUTOSOMAL RECESSIVE EARLY-ONSET. Identifiers: Orphanet 391411, MedGen C3809824, MONDO:0014233, OMIM 615530.

Allele frequency attached by ClinVar (database versions not stated): gnomAD 0.00005 and 0.00009; TOPMed 0.00005; gnomAD exomes 0.00017; ExAC 0.00018; 1000 Genomes Project 0.00060; 1000 Genomes Project 30x 0.00062.
gnomAD v4.1: 144 of 1,614,136 alleles (0.0089%); highest among the groups gnomAD compares: South Asian, 0.092%; 2 homozygotes.

Submissions (3):

CeGaT Center for Human Genetics Tuebingen
Classification: Likely benign. Last evaluated: 2026-03-01. Review status: criteria provided, single submitter. Criteria: CeGaT Center For Human Genetics Tuebingen Variant Classification Criteria Version 2. Collection method: clinical testing. Allele origin: germline. Affected: yes. Observed: 3 variant alleles.
Comment: SYNJ1: BP4, BP7

Labcorp Genetics (formerly Invitae), Labcorp
Classification: Benign for Developmental and epileptic encephalopathy, 53; Early-onset Parkinson disease 20. Last evaluated: 2026-01-13. Review status: criteria provided, single submitter. Criteria: Invitae Variant Classification Sherloc (09022015). Collection method: clinical testing. Allele origin: germline.

Mayo Clinic Laboratories, Mayo Clinic
Classification: Likely benign. Last evaluated: 2025-10-08. Review status: criteria provided, single submitter. Criteria: ACMG Guidelines, 2015. Collection method: clinical testing. Allele origin: germline. Observed: 1 variant allele.
Comment: BS1, BP4, BP7